The following is an entry in ClinVar:

NM_006767.4(LZTR1):c.1643T>C (p.Met548Thr)

Gene: LZTR1 (leucine zipper like post translational regulator 1; plus strand). Cytogenetic location: 22q11.21.
Variant type: single nucleotide variant.
Coding change: c.1643T>C on transcript NM_006767.4 (MANE Select); coding-DNA position 1643, T replaced by C.
Protein change: p.Met548Thr; replaces methionine 548 with threonine.
Molecular consequence: missense variant.
Genome position (GRCh38, 1-based): chr22:20,994,585, T>C. VCF-style: chr22-20994585-T-C. GRCh37 (hg19) VCF-style: chr22-21348874-T-C.
Other names: short protein forms M548T.
Identifiers: ClinVar variation 3541731 (VCV003541731.2).

ClinVar aggregate classification (germline): Uncertain significance (1 of 4 stars; one submission).

Conditions:
Hereditary cancer-predisposing syndrome. Also called: Hereditary Cancer Syndrome; Hereditary neoplastic syndrome; Tumor predisposition; Neoplastic Syndromes, Hereditary. Identifiers: Orphanet 140162, MedGen C0027672, MeSH D009386, MONDO:0015356.
Cardiovascular phenotype. Identifiers: MedGen CN230736.

gnomAD v4.1: 1 of 1,611,892 alleles (0.000062%); no homozygotes.

Submission:

Ambry Genetics
Classification: Uncertain significance for Cardiovascular phenotype; Hereditary cancer-predisposing syndrome. Last evaluated: 2025-11-10. Review status: criteria provided, single submitter. Criteria: Ambry Variant Classification Scheme 2023. Collection method: clinical testing. Allele origin: germline.
Comment: The p.M548T variant (also known as c.1643T>C), located in coding exon 15 of the LZTR1 gene, results from a T to C substitution at nucleotide position 1643. The methionine at codon 548 is replaced by threonine, an amino acid with similar properties. This amino acid position is conserved. In addition, the in silico prediction for this alteration is inconclusive. Based on the available evidence, the clinical significance of this variant remains unclear.